The following is an entry in ClinVar:

NM_000755.5(CRAT):c.70G>T (p.Ala24Ser)

Gene: CRAT (carnitine O-acetyltransferase; minus strand). Cytogenetic location: 9q34.11.
Variant type: single nucleotide variant.
Coding change: c.70G>T on transcript NM_000755.5 (MANE Select); coding-DNA position 70, G replaced by T.
Protein change: p.Ala24Ser; replaces alanine 24 with serine.
Molecular consequence: missense variant.
Genome position (GRCh38, 1-based): chr9:129,108,035, C>A on the plus strand (G>T on the coding strand, the complement: CRAT is on the minus strand). VCF-style: chr9-129108035-C-A. GRCh37 (hg19) VCF-style: chr9-131870314-C-A.
Other names: c.7G>T, p.Ala3Ser (NM_001257363.3, NM_001346548.2, NM_004003.4); c.73G>T, p.Ala25Ser (NM_001346546.2); c.70G>T, p.Ala24Ser (NM_001346547.2, NM_001346549.2); short protein forms A24S, A25S, A3S.
Identifiers: ClinVar variation 1926862 (VCV001926862.5), dbSNP rs1165091118, ClinGen allele CA375109596.

ClinVar aggregate classification (germline): Uncertain significance (1 of 4 stars; one submission).

Submission:

Labcorp Genetics (formerly Invitae), Labcorp
Classification: Uncertain significance. Last evaluated: 2024-08-19. Review status: criteria provided, single submitter. Criteria: Invitae Variant Classification Sherloc (09022015). Collection method: clinical testing. Allele origin: germline.
Comment: This sequence change replaces alanine, which is neutral and non-polar, with serine, which is neutral and polar, at codon 24 of the CRAT protein (p.Ala24Ser). This variant is present in population databases (no rsID available, gnomAD 0.001%). This variant has not been reported in the literature in individuals affected with CRAT-related conditions. ClinVar contains an entry for this variant (Variation ID: 1926862). An algorithm developed to predict the effect of missense changes on protein structure and function (PolyPhen-2) suggests that this variant is likely to be tolerated. In summary, the available evidence is currently insufficient to determine the role of this variant in disease. Therefore, it has been classified as a Variant of Uncertain Significance.